The following is an entry in ClinVar:

NM_004415.4(DSP):c.7120A>G (p.Thr2374Ala)

Gene: DSP (desmoplakin; plus strand). Cytogenetic location: 6p24.3.
Variant type: single nucleotide variant.
Coding change: c.7120A>G on transcript NM_004415.4 (MANE Select); coding-DNA position 7120, A replaced by G.
Protein change: p.Thr2374Ala; replaces threonine 2374 with alanine.
Molecular consequence: missense variant.
Genome position (GRCh38, 1-based): chr6:7,584,382, A>G. VCF-style: chr6-7584382-A-G. GRCh37 (hg19) VCF-style: chr6-7584615-A-G.
Other names: c.5323A>G, p.Thr1775Ala (NM_001008844.3); c.5791A>G, p.Thr1931Ala (NM_001319034.2); short protein forms T2374A, T1775A, T1931A.
Identifiers: ClinVar variation 1387657 (VCV001387657.8), dbSNP rs1759559299, ClinGen allele CA362692279.

ClinVar aggregate classification (germline): Uncertain significance (1 of 4 stars; one submission).

Conditions:
Arrhythmogenic right ventricular dysplasia 8 (ARVD8). Also called: ARRHYTHMOGENIC RIGHT VENTRICULAR DYSPLASIA, FAMILIAL, 8; ARRHYTHMOGENIC RIGHT VENTRICULAR CARDIOMYOPATHY 8; Arrhythmogenic Right Ventricular Dysplasia/Cardiomyopathy 8. Identifiers: MedGen C1843896, MONDO:0011831, OMIM 607450.
Arrhythmogenic cardiomyopathy with wooly hair and keratoderma. Also called: Carvajal syndrome; Dilated cardiomyopathy with woolly hair and keratoderma; PALMOPLANTAR KERATODERMA WITH LEFT VENTRICULAR CARDIOMYOPATHY AND WOOLLY HAIR; Arrhythmogenic cardiomyopathy with woolly hair and keratoderma. Identifiers: Orphanet 65282, MedGen C1854063, MONDO:0011581, OMIM 605676.

Submission:

Labcorp Genetics (formerly Invitae), Labcorp
Classification: Uncertain significance for Arrhythmogenic cardiomyopathy with wooly hair and keratoderma; Arrhythmogenic right ventricular dysplasia 8. Last evaluated: 2021-05-09. Review status: criteria provided, single submitter. Criteria: Invitae Variant Classification Sherloc (09022015). Collection method: clinical testing. Allele origin: germline.
Comment: In summary, the available evidence is currently insufficient to determine the role of this variant in disease. Therefore, it has been classified as a Variant of Uncertain Significance. Algorithms developed to predict the effect of missense changes on protein structure and function are either unavailable or do not agree on the potential impact of this missense change (SIFT: "Deleterious"; PolyPhen-2: "Probably Damaging"; Align-GVGD: "Class C0"). This variant has not been reported in the literature in individuals with DSP-related conditions. This variant is not present in population databases (ExAC no frequency). This sequence change replaces threonine with alanine at codon 2374 of the DSP protein (p.Thr2374Ala). The threonine residue is highly conserved and there is a small physicochemical difference between threonine and alanine.